The following is an entry in ClinVar:

NM_007259.5(VPS45):c.257T>C (p.Leu86Pro)

Gene: VPS45 (vacuolar protein sorting 45 homolog; plus strand). Cytogenetic location: 1q21.2.
Variant type: single nucleotide variant.
Coding change: c.257T>C on transcript NM_007259.5 (MANE Select); coding-DNA position 257, T replaced by C.
Protein change: p.Leu86Pro; replaces leucine 86 with proline.
Molecular consequence: missense variant. On other transcripts: non-coding transcript variant (1).
Genome position (GRCh38, 1-based): chr1:150,072,194, T>C. VCF-style: chr1-150072194-T-C. GRCh37 (hg19) VCF-style: chr1-150044261-T-C.
Other names: c.149T>C, p.Leu50Pro (NM_001279353.2, NM_001279354.2); short protein forms L86P, L50P.
Identifiers: ClinVar variation 863733 (VCV000863733.6), dbSNP rs782513242, ClinGen allele CA1073081.

ClinVar aggregate classification (germline): Uncertain significance. Review status: criteria provided, single submitter (1 of 4 stars). 2 submissions from 2 submitters: Uncertain significance (1). 1 of the submissions does not count toward it. Last evaluated 2024-02-24.

Conditions:
Congenital neutropenia-myelofibrosis-nephromegaly syndrome. Also called: Severe congenital neutropenia 5, autosomal recessive. Identifiers: Orphanet 369852, MedGen C3809031, MONDO:0014118, OMIM 615285.

Allele frequency attached by ClinVar (database versions not stated): gnomAD 0.00001; ExAC 0.00001; gnomAD exomes 0.00006 and 0.00001.
gnomAD v4.1: 84 of 1,608,500 alleles (0.0052%); highest among the groups gnomAD compares: Non-Finnish European, 0.007%; no homozygotes.

Submissions (2):

Labcorp Genetics (formerly Invitae), Labcorp
Classification: Uncertain significance for Congenital neutropenia-myelofibrosis-nephromegaly syndrome. Last evaluated: 2024-02-24. Review status: criteria provided, single submitter. Criteria: Invitae Variant Classification Sherloc (09022015). Collection method: clinical testing. Allele origin: germline.
Comment: This sequence change replaces leucine, which is neutral and non-polar, with proline, which is neutral and non-polar, at codon 86 of the VPS45 protein (p.Leu86Pro). This variant is present in population databases (rs782513242, gnomAD 0.002%). This variant has not been reported in the literature in individuals affected with VPS45-related conditions. ClinVar contains an entry for this variant (Variation ID: 863733). Advanced modeling of protein sequence and biophysical properties (such as structural, functional, and spatial information, amino acid conservation, physicochemical variation, residue mobility, and thermodynamic stability) performed at Invitae indicates that this missense variant is expected to disrupt VPS45 protein function with a positive predictive value of 80%. In summary, the available evidence is currently insufficient to determine the role of this variant in disease. Therefore, it has been classified as a Variant of Uncertain Significance.

Natera, Inc.
Classification: Uncertain significance for Autosomal recessive severe congenital neutropenia 5. Last evaluated: 2020-02-13. Review status: no assertion criteria provided. Collection method: clinical testing. Allele origin: germline. Not counted in ClinVar's aggregate classification.